The following is an entry in ClinVar:

NM_000059.4(BRCA2):c.631+3A>T

Gene: BRCA2 (BRCA2 DNA repair associated; plus strand). Cytogenetic location: 13q13.1.
Variant type: single nucleotide variant.
Coding change: c.631+3A>T on transcript NM_000059.4 (MANE Select); 3 bases into the intron after coding-DNA position 631, A replaced by T.
Molecular consequence: intron variant.
Genome position (GRCh38, 1-based): chr13:32,326,616, A>T. VCF-style: chr13-32326616-A-T. GRCh37 (hg19) VCF-style: chr13-32900753-A-T.
Identifiers: ClinVar variation 826317 (VCV000826317.5), dbSNP rs397507840, ClinGen allele CA915946942.

ClinVar aggregate classification (germline): Uncertain significance (1 of 4 stars; one submission).

Conditions:
Hereditary cancer-predisposing syndrome. Also called: Hereditary Cancer Syndrome; Tumor predisposition; Neoplastic Syndromes, Hereditary; Hereditary neoplastic syndrome. Identifiers: Orphanet 140162, MedGen C0027672, MeSH D009386, MONDO:0015356.

Submission:

Ambry Genetics
Classification: Uncertain significance for Hereditary cancer-predisposing syndrome. Last evaluated: 2026-02-09. Review status: criteria provided, single submitter. Criteria: Ambry Variant Classification Scheme 2023. Collection method: clinical testing. Allele origin: germline.
Comment: The c.631+3A>T intronic variant results from an A to T substitution 3 nucleotides after coding exon 6 in the BRCA2 gene. This nucleotide position is highly conserved in available vertebrate species. In silico splice site analysis predicts that this alteration will weaken the native splice donor site. Based on the available evidence, the clinical significance of this variant remains unclear.